The following is an entry in ClinVar:

NM_001148.6(ANK2):c.422A>G (p.Asn141Ser)

Gene: ANK2 (ankyrin 2; plus strand). Cytogenetic location: 4q26.
Variant type: single nucleotide variant.
Coding change: c.422A>G on transcript NM_001148.6 (MANE Select); coding-DNA position 422, A replaced by G.
Protein change: p.Asn141Ser; replaces asparagine 141 with serine.
Molecular consequence: missense variant.
Genome position (GRCh38, 1-based): chr4:113,232,198, A>G. VCF-style: chr4-113232198-A-G. GRCh37 (hg19) VCF-style: chr4-114153354-A-G.
Other names: c.359A>G, p.Asn120Ser (NM_001127493.3, NM_001354239.2, NM_001354243.2 and 33 more transcripts); c.422A>G, p.Asn141Ser (NM_001354225.2, NM_001354228.2, NM_001354232.2 and 9 more transcripts); c.467A>G, p.Asn156Ser (NM_001354230.2, NM_001354231.2, NM_001354237.2 and 5 more transcripts); c.404A>G, p.Asn135Ser (NM_001354261.2, NM_001386147.1, NM_001386160.1); c.410A>G, p.Asn137Ser (NM_001354269.3, NM_001386148.2, NM_001386186.2 and 1 more transcripts); c.473A>G, p.Asn158Ser (NM_001386174.1, NM_001386175.1); short protein forms N158S, N156S, N120S, N135S, N137S, N141S.
Identifiers: ClinVar variation 1377605 (VCV001377605.8), dbSNP rs2153534680, ClinGen allele CA357914313.

ClinVar aggregate classification (germline): Uncertain significance (1 of 4 stars; one submission).

Conditions:
Long QT syndrome (LQTS). Identifiers: MedGen C0023976, MeSH D008133, MONDO:0002442. Disease mechanism: loss of function. Inheritance: Various modes of inheritance.

Submission:

Labcorp Genetics (formerly Invitae), Labcorp
Classification: Uncertain significance for Long QT syndrome. Last evaluated: 2021-03-09. Review status: criteria provided, single submitter. Criteria: Invitae Variant Classification Sherloc (09022015). Collection method: clinical testing. Allele origin: germline.
Comment: In summary, the available evidence is currently insufficient to determine the role of this variant in disease. Therefore, it has been classified as a Variant of Uncertain Significance. Algorithms developed to predict the effect of missense changes on protein structure and function are either unavailable or do not agree on the potential impact of this missense change (SIFT: "Deleterious"; PolyPhen-2: "Probably Damaging"; Align-GVGD: "Class C0"). This sequence change replaces asparagine with serine at codon 141 of the ANK2 protein (p.Asn141Ser). The asparagine residue is highly conserved and there is a small physicochemical difference between asparagine and serine. This variant is not present in population databases (ExAC no frequency). This variant has not been reported in the literature in individuals with ANK2-related conditions.